The following is an entry in ClinVar:

ClinVar aggregate classification (germline): Conflicting classifications of pathogenicity. Review status: criteria provided, conflicting classifications (1 of 4 stars). 4 submissions from 4 submitters: Uncertain significance (2); Likely benign (2). Last evaluated 2025-01-19.

Conditions:
Familial cold autoinflammatory syndrome 4 (FCAS4). Identifiers: Orphanet 47045, Orphanet 576349, MedGen C4015276, MONDO:0014498, OMIM 616115.
Periodic fever-infantile enterocolitis-autoinflammatory syndrome. Also called: Autoinflammation with infantile enterocolitis. Identifiers: Orphanet 436166, MedGen C4015067, MONDO:0014472, OMIM 616050.
Autoinflammatory syndrome. Identifiers: Orphanet 93665, MedGen C3890737, MONDO:0019751.
Inborn genetic diseases. Identifiers: MedGen C0950123, MeSH D030342.

Allele frequency attached by ClinVar (database versions not stated): gnomAD exomes 0.00003; gnomAD 0.00003; TOPMed 0.00002; ExAC 0.00003.
gnomAD v4.1: 31 of 1,614,082 alleles (0.0019%); highest among the groups gnomAD compares: Middle Eastern, 0.033%; no homozygotes.

Submissions (4):

Labcorp Genetics (formerly Invitae), Labcorp
Classification: Uncertain significance for Periodic fever-infantile enterocolitis-autoinflammatory syndrome; Familial cold autoinflammatory syndrome 4. Last evaluated: 2025-01-19. Review status: criteria provided, single submitter. Criteria: Invitae Variant Classification Sherloc (09022015). Collection method: clinical testing. Allele origin: germline.
Comment: This sequence change replaces cysteine, which is neutral and slightly polar, with serine, which is neutral and polar, at codon 517 of the NLRC4 protein (p.Cys517Ser). This variant is present in population databases (rs779390608, gnomAD 0.007%). This variant has not been reported in the literature in individuals affected with NLRC4-related conditions. ClinVar contains an entry for this variant (Variation ID: 1694363). Invitae Evidence Modeling of protein sequence and biophysical properties (such as structural, functional, and spatial information, amino acid conservation, physicochemical variation, residue mobility, and thermodynamic stability) indicates that this missense variant is not expected to disrupt NLRC4 protein function with a negative predictive value of 80%. In summary, the available evidence is currently insufficient to determine the role of this variant in disease. Therefore, it has been classified as a Variant of Uncertain Significance.

CeGaT Center for Human Genetics Tuebingen
Classification: Likely benign. Last evaluated: 2023-02-01. Review status: criteria provided, single submitter. Criteria: CeGaT Center For Human Genetics Tuebingen Variant Classification Criteria Version 2. Collection method: clinical testing. Allele origin: germline. Affected: yes. Observed: 1 variant allele.
Comment: NLRC4: BP4

Ambry Genetics
Classification: Likely benign for Inborn genetic diseases. Last evaluated: 2022-03-29. Review status: criteria provided, single submitter. Criteria: Ambry Variant Classification Scheme 2023. Collection method: clinical testing. Allele origin: germline.

Genome Diagnostics Laboratory, The Hospital for Sick Children
Classification: Uncertain significance for Autoinflammatory syndrome. Last evaluated: 2021-06-24. Review status: criteria provided, single submitter. Criteria: ACMG Guidelines, 2015. Collection method: clinical testing. Allele origin: germline. Affected: yes.

NM_001199138.2(NLRC4):c.1550G>C (p.Cys517Ser)

Gene: NLRC4 (NLR family CARD domain containing 4; minus strand). Cytogenetic location: 2p22.3.
Variant type: single nucleotide variant.
Coding change: c.1550G>C on transcript NM_001199138.2 (MANE Select); coding-DNA position 1550, G replaced by C.
Protein change: p.Cys517Ser; replaces cysteine 517 with serine.
Molecular consequence: missense variant. On other transcripts: intron variant (1).
Genome position (GRCh38, 1-based): chr2:32,250,314, C>G on the plus strand (G>C on the coding strand, the complement: NLRC4 is on the minus strand). VCF-style: chr2-32250314-C-G. GRCh37 (hg19) VCF-style: chr2-32475383-C-G.
Other names: c.1550G>C, p.Cys517Ser (NM_001199139.2, NM_021209.5); c.262+2105G>C (NM_001302504.1); short protein forms C517S.
Identifiers: ClinVar variation 1694363 (VCV001694363.37), dbSNP rs779390608, ClinGen allele CA1601971.